The following is an entry in ClinVar:

NM_033380.3(COL4A5):c.425T>A (p.Leu142Ter)

Gene: COL4A5 (collagen type IV alpha 5 chain; plus strand). Cytogenetic location: Xq22.3.
Variant type: single nucleotide variant.
Coding change: c.425T>A on transcript NM_033380.3 (MANE Select); coding-DNA position 425, T replaced by A.
Protein change: p.Leu142Ter; replaces leucine 142 with a stop codon.
Molecular consequence: nonsense.
Genome position (GRCh38, 1-based): chrX:108,571,453, T>A. VCF-style: chrX-108571453-T-A. GRCh37 (hg19) VCF-style: chrX-107814683-T-A.
Other names: c.425T>A, p.Leu142Ter (NM_000495.5); short protein forms L142*.
Identifiers: ClinVar variation 4952220 (VCV004952220.2).

ClinVar aggregate classification (germline): Pathogenic/Likely pathogenic. Review status: criteria provided, multiple submitters, no conflicts (2 of 4 stars). 2 submissions from 2 submitters: Pathogenic (1); Likely pathogenic (1). Last evaluated 2024-09-04.

Conditions:
COL4A5-related disorders.
X-linked Alport syndrome (ATS1). Also called: NEPHROPATHY AND DEAFNESS, X-LINKED; COL4A5-Related Nephropathy. Identifiers: Orphanet 63, Orphanet 88917, MedGen C4746986, MONDO:0010520, OMIM 301050.

Submissions (2):

Myriad Genetics, Inc.
Classification: Pathogenic for X-linked Alport syndrome. Last evaluated: 2024-09-04. Review status: criteria provided, single submitter. Criteria: Myriad Autosomal Dominant, Autosomal Recessive and X-Linked Classification Criteria (2023). Collection method: clinical testing. Allele origin: unknown.
Comment: NM_000495.4(COL4A5):c.425T>A(L142*) is expected to be pathogenic in the context of X-linked Alport syndrome. This variant is predicted to lead to an abnormal or absent protein product due to the creation of a premature termination codon in COL4A5, a gene where loss-of-function variants are known to be pathogenic. Please note: this variant was assessed in the context of healthy population screening.

Blueprint Genetics
Classification: Likely pathogenic for COL4A5-related disorders. Last evaluated: 2019-05-13. Review status: criteria provided, single submitter. Criteria: ACMG Guidelines, 2015. Collection method: clinical testing. Allele origin: germline. Affected: yes. Observed: 1 variant allele.